The following is an entry in ClinVar:

GRCh37/hg19 Xp22.33(chrX:696169-1467222)x3

Variant type: copy number gain.
Change: copy number 3 of chrX:696,169-1,467,222 (771.1 kb, GRCh37 coordinates, 1-based), cytogenetic band Xp22.33.
Identifiers: ClinVar variation 988926 (VCV000988926.4).

ClinVar aggregate classification (germline): Uncertain significance (1 of 4 stars; one submission).

Submission:

Illumina Laboratory Services, Illumina
Classification: Uncertain significance. Last evaluated: 2019-12-18. Review status: criteria provided, single submitter. Criteria: ICSL CNVClassificationCriteria Aug2020. Collection method: clinical testing. Allele origin: unknown.
Comment: This CNV is an inherited 771 kb duplication of Xp22.33 on chromosome X, (seq[GRCh37]dup(X)(p22.33); chrX:g.696169_1467222dup). The CNV constitutes a gain encompassing three genes, CSF2RA, IL3RA, and CRLF2. The Xp22.33 chromosomal region is part of the pseudoautosomal region PAR1, which comprises 24 genes that are not inherited in a strictly sex-linked pattern (Helena & Morris 2007). Patients with similar gains in this region have not been reported in the peer-reviewed literature. However, in the DECIPHER database, there are several patients with duplications in this region that occurred de novo or were inherited from unaffected or affected parents. Phenotypic features noted in these cases include intellectual disability, global developmental delay, autism, dysmorphic features, abnormality of coordination, hyperopic astigmatism, childhood-onset truncal obesity, and joint laxity (Firth et al. 2009). This CNV has not been reported in controls. Based on the limited evidence currently available, this CNV is classified as a variant of uncertain significance.

Literature cited by the submitters: PubMed 18660847; PubMed 19344873.